The following is an entry in ClinVar:

ClinVar aggregate classification (germline): Likely benign. Review status: criteria provided, multiple submitters, no conflicts (2 of 4 stars). 2 submissions from 2 submitters: Likely benign (2). Last evaluated 2023-10-18.

Allele frequency attached by ClinVar (database versions not stated): gnomAD 0.00001; gnomAD exomes 0.00001; TOPMed 0.00001; ExAC 0.00002.
gnomAD v4.1: 21 of 1,613,708 alleles (0.0013%); highest among the groups gnomAD compares: Admixed American, 0.0033%; no homozygotes.

Submissions (2):

Labcorp Genetics (formerly Invitae), Labcorp
Classification: Likely benign. Last evaluated: 2023-10-18. Review status: criteria provided, single submitter. Criteria: Invitae Variant Classification Sherloc (09022015). Collection method: clinical testing. Allele origin: germline.

CeGaT Center for Human Genetics Tuebingen
Classification: Likely benign. Last evaluated: 2023-02-01. Review status: criteria provided, single submitter. Criteria: CeGaT Center For Human Genetics Tuebingen Variant Classification Criteria Version 2. Collection method: clinical testing. Allele origin: germline. Affected: yes. Observed: 1 variant allele.
Comment: CACNA1B: BP4, BP7

NM_000718.4(CACNA1B):c.2142C>T (p.Asn714=)

Gene: CACNA1B (calcium voltage-gated channel subunit alpha1 B; plus strand). Cytogenetic location: 9q34.3.
Variant type: single nucleotide variant.
Coding change: c.2142C>T on transcript NM_000718.4 (MANE Select); coding-DNA position 2142, C replaced by T.
Protein change: p.Asn714=; no amino-acid change (asparagine 714 retained).
Molecular consequence: synonymous variant.
Genome position (GRCh38, 1-based): chr9:138,010,059, C>T. VCF-style: chr9-138010059-C-T. GRCh37 (hg19) VCF-style: chr9-140904511-C-T.
Other names: c.2142C>T, p.Asn714= (NM_001243812.2).
Identifiers: ClinVar variation 1902413 (VCV001902413.29), dbSNP rs570622319, ClinGen allele CA5376385.